The following is an entry in ClinVar:

ClinVar aggregate classification (germline): Uncertain significance (1 of 4 stars; one submission).

Submission:

GeneDx
Classification: Uncertain significance. Last evaluated: 2022-05-25. Review status: criteria provided, single submitter. Criteria: GeneDx Variant Classification Process June 2021. Collection method: clinical testing. Allele origin: germline. Affected: yes.
Comment: Not observed at significant frequency in large population cohorts (gnomAD); In silico analysis supports that this missense variant has a deleterious effect on protein structure/function; Has not been previously published as pathogenic or benign to our knowledge

NM_001184.4(ATR):c.5389T>C (p.Ser1797Pro)

Gene: ATR (ATR checkpoint kinase; minus strand). Cytogenetic location: 3q23.
Variant type: single nucleotide variant.
Coding change: c.5389T>C on transcript NM_001184.4 (MANE Select); coding-DNA position 5389, T replaced by C.
Protein change: p.Ser1797Pro; replaces serine 1797 with proline.
Molecular consequence: missense variant.
Genome position (GRCh38, 1-based): chr3:142,498,766, A>G on the plus strand (T>C on the coding strand, the complement: ATR is on the minus strand). VCF-style: chr3-142498766-A-G. GRCh37 (hg19) VCF-style: chr3-142217608-A-G.
Other names: c.5197T>C, p.Ser1733Pro (NM_001354579.2); short protein forms S1733P, S1797P.
Identifiers: ClinVar variation 1800814 (VCV001800814.1), dbSNP rs2473165921, ClinGen allele CA354816420.